The following is an entry in ClinVar:

NM_000829.4(GRIA4):c.1852C>A (p.Leu618Ile)

Gene: GRIA4 (glutamate ionotropic receptor AMPA type subunit 4; plus strand). Cytogenetic location: 11q22.3.
Variant type: single nucleotide variant.
Coding change: c.1852C>A on transcript NM_000829.4 (MANE Select); coding-DNA position 1852, C replaced by A.
Protein change: p.Leu618Ile; replaces leucine 618 with isoleucine.
Molecular consequence: missense variant. On other transcripts: non-coding transcript variant (1).
Genome position (GRCh38, 1-based): chr11:105,926,745, C>A. VCF-style: chr11-105926745-C-A. GRCh37 (hg19) VCF-style: chr11-105797471-C-A.
Other names: c.1852C>A, p.Leu618Ile (NM_001077243.3); short protein forms L618I.
Identifiers: ClinVar variation 3360356 (VCV003360356.1).

ClinVar aggregate classification (germline): Uncertain significance (1 of 4 stars; one submission).

Submission:

GeneDx
Classification: Uncertain significance. Last evaluated: 2023-06-23. Review status: criteria provided, single submitter. Criteria: GeneDx Variant Classification Process June 2021. Collection method: clinical testing. Allele origin: germline. Affected: yes.
Comment: Not observed at significant frequency in large population cohorts (gnomAD); In silico analysis supports that this missense variant does not alter protein structure/function; Has not been previously published as pathogenic or benign to our knowledge